The following is an entry in ClinVar:

NM_144672.4(OTOA):c.462C>T (p.Gly154=)

Gene: OTOA (otoancorin). Cytogenetic location: 16p12.2.
Variant type: single nucleotide variant.
Coding change: c.462C>T on transcript NM_144672.4 (MANE Select); coding-DNA position 462, C replaced by T.
Protein change: p.Gly154=; no amino-acid change (glycine 154 retained).
Molecular consequence: synonymous variant.
Genome position (GRCh38, 1-based): chr16:21,687,475, C>T. VCF-style: chr16-21687475-C-T. GRCh37 (hg19) VCF-style: chr16-21698796-C-T.
Other names: c.462C>T (NM_144672.3); c.225C>T, p.Gly75= (NM_001161683.2).
Identifiers: ClinVar variation 289896 (VCV000289896.13), dbSNP rs767974412, ClinGen allele CA7952314.

ClinVar aggregate classification (germline): Conflicting classifications of pathogenicity. Review status: criteria provided, conflicting classifications (1 of 4 stars). 3 submissions from 3 submitters: Uncertain significance (1); Likely benign (1). 1 of the submissions does not count toward it. Last evaluated 2025-09-04.

Conditions:
OTOA-related disorder. Also called: OTOA-related condition.

Allele frequency attached by ClinVar (database versions not stated): gnomAD 0.00004; TOPMed 0.00013; ExAC 0.00019; gnomAD exomes 0.00024.
gnomAD v4.1: 85 of 1,613,864 alleles (0.0053%); highest among the groups gnomAD compares: Admixed American, 0.12%; 1 homozygote.

Submissions (3):

Labcorp Genetics (formerly Invitae), Labcorp
Classification: Likely benign. Last evaluated: 2025-09-04. Review status: criteria provided, single submitter. Criteria: Invitae Variant Classification Sherloc (09022015). Collection method: clinical testing. Allele origin: germline.

Eurofins Ntd Llc (ga)
Classification: Uncertain significance. Last evaluated: 2016-08-16. Review status: criteria provided, single submitter. Criteria: EGL Classification Definitions 2015. Collection method: clinical testing. Allele origin: germline. Observed: 1 variant allele, 1 heterozygote.

PreventionGenetics, part of Exact Sciences
Classification: Likely benign for OTOA-related condition. Last evaluated: 2024-06-07. Review status: no assertion criteria provided. Collection method: clinical testing. Allele origin: germline. Not counted in ClinVar's aggregate classification.
Comment: This variant is classified as likely benign based on ACMG/AMP sequence variant interpretation guidelines (Richards et al. 2015 PMID: 25741868, with internal and published modifications).